The following is an entry in ClinVar:

ClinVar aggregate classification (germline): Uncertain significance (1 of 4 stars; one submission).

Submission:

GeneDx
Classification: Uncertain significance. Last evaluated: 2024-12-11. Review status: criteria provided, single submitter. Criteria: GeneDx Variant Classification Process June 2021. Collection method: clinical testing. Allele origin: germline. Affected: yes.
Comment: Not observed at significant frequency in large population cohorts (gnomAD); In silico analysis supports that this missense variant has a deleterious effect on protein structure/function; Has not been previously published as pathogenic or benign to our knowledge

NM_001386135.1(AFF3):c.73A>C (p.Asn25His)

Gene: AFF3 (ALF transcription elongation factor 3; minus strand). Cytogenetic location: 2q11.2.
Variant type: single nucleotide variant.
Coding change: c.73A>C on transcript NM_001386135.1 (MANE Select); coding-DNA position 73, A replaced by C.
Protein change: p.Asn25His; replaces asparagine 25 with histidine.
Molecular consequence: missense variant.
Genome position (GRCh38, 1-based): chr2:100,008,913, T>G on the plus strand (A>C on the coding strand, the complement: AFF3 is on the minus strand). VCF-style: chr2-100008913-T-G. GRCh37 (hg19) VCF-style: chr2-100625375-T-G.
Other names: c.148A>C, p.Asn50His (NM_001025108.2); c.73A>C, p.Asn25His (NM_002285.3); short protein forms N25H, N50H.
Identifiers: ClinVar variation 3903002 (VCV003903002.1).